The following is an entry in ClinVar:

ClinVar aggregate classification (germline): Conflicting classifications of pathogenicity. Review status: criteria provided, conflicting classifications (1 of 4 stars). 6 submissions from 6 submitters: Uncertain significance (5); Likely benign (1). Last evaluated 2025-11-18.

Conditions:
Familial cancer of breast. Also called: Hereditary breast cancer; hereditary breast carcinoma; BREAST CANCER, FAMILIAL. Identifiers: Orphanet 227535, MedGen C0346153, MONDO:0016419, OMIM 114480. Disease mechanism: loss of function.
Hereditary cancer-predisposing syndrome. Also called: Hereditary neoplastic syndrome; Tumor predisposition; Neoplastic Syndromes, Hereditary; Hereditary Cancer Syndrome. Identifiers: Orphanet 140162, MedGen C0027672, MeSH D009386, MONDO:0015356.

Allele frequency attached by ClinVar (database versions not stated): gnomAD exomes below 0.00001 and 0.00001; gnomAD 0.00001; TOPMed 0.00001; ExAC 0.00002.
gnomAD v4.1: 5 of 1,613,916 alleles (0.00031%); highest among the groups gnomAD compares: Non-Finnish European, 0.00042%; no homozygotes.

Submissions (6):

Labcorp Genetics (formerly Invitae), Labcorp
Classification: Uncertain significance for Familial cancer of breast. Last evaluated: 2025-11-18. Review status: criteria provided, single submitter. Criteria: Invitae Variant Classification Sherloc (09022015). Collection method: clinical testing. Allele origin: germline.
Comment: This sequence change replaces aspartic acid, which is acidic and polar, with histidine, which is basic and polar, at codon 161 of the PALB2 protein (p.Asp161His). This variant is present in population databases (rs769841151, gnomAD 0.003%). This variant has not been reported in the literature in individuals affected with PALB2-related conditions. ClinVar contains an entry for this variant (Variation ID: 480258). An algorithm developed to predict the effect of missense changes on protein structure and function (PolyPhen-2) suggests that this variant is likely to be disruptive. In summary, the available evidence is currently insufficient to determine the role of this variant in disease. Therefore, it has been classified as a Variant of Uncertain Significance.

Color Diagnostics, LLC DBA Color Health
Classification: Uncertain significance for Hereditary cancer-predisposing syndrome. Last evaluated: 2025-08-27. Review status: criteria provided, single submitter. Criteria: ACMG Guidelines, 2015. Collection method: clinical testing. Allele origin: germline.
Comment: This missense variant replaces aspartic acid with histidine at codon 161 of the PALB2 protein. Computational prediction suggests that this variant may not impact protein structure and function. To our knowledge, functional studies have not been reported for this variant. This variant has been detected in a breast cancer case-control meta-analysis in 1/60466 cases and 2/53461 unaffected individuals (PMID: 33471991Leiden Open Variation Database DB-ID PALB2_011176). This variant has been identified in 3/251440 chromosomes in the general population by the Genome Aggregation Database (gnomAD). The available evidence is insufficient to determine the role of this variant in disease conclusively. Therefore, this variant is classified as a Variant of Uncertain Significance.

CeGaT Center for Human Genetics Tuebingen
Classification: Uncertain significance. Last evaluated: 2025-05-01. Review status: criteria provided, single submitter. Criteria: CeGaT Center For Human Genetics Tuebingen Variant Classification Criteria Version 2. Collection method: clinical testing. Allele origin: germline. Affected: yes. Observed: 1 variant allele.
Comment: PALB2: PM2, PS4:Moderate, BP4

Center for Genomic Medicine, Rigshospitalet, Copenhagen University Hospital
Classification: Uncertain significance. Last evaluated: 2025-03-04. Review status: criteria provided, single submitter. Criteria: ACMG Guidelines, 2015. Collection method: clinical testing. Allele origin: germline.

Ambry Genetics
Classification: Likely benign for Hereditary cancer-predisposing syndrome. Last evaluated: 2024-03-28. Review status: criteria provided, single submitter. Criteria: Ambry Variant Classification Scheme 2023. Collection method: clinical testing. Allele origin: germline.

GeneDx
Classification: Uncertain significance. Last evaluated: 2023-07-25. Review status: criteria provided, single submitter. Criteria: GeneDx Variant Classification Process June 2021. Collection method: clinical testing. Allele origin: germline. Affected: yes.
Comment: Not observed at significant frequency in large population cohorts (gnomAD); In silico analysis supports that this missense variant does not alter protein structure/function; Observed in at least one individual with a personal and/or family history of breast and/or ovarian cancer (Hauke et al., 2018); This variant is associated with the following publications: (PMID: 20871615, 19369211, 29522266)

Literature cited by the submitters: PubMed 33471991 (cited by Color Diagnostics, LLC DBA Color Health); PubMed 29522266 (cited by Ambry Genetics).

NM_024675.4(PALB2):c.481G>C (p.Asp161His)

Gene: PALB2 (partner and localizer of BRCA2; minus strand). Cytogenetic location: 16p12.2.
Variant type: single nucleotide variant.
Coding change: c.481G>C on transcript NM_024675.4 (MANE Select); coding-DNA position 481, G replaced by C.
Protein change: p.Asp161His; replaces aspartic acid 161 with histidine.
Molecular consequence: missense variant.
Genome position (GRCh38, 1-based): chr16:23,636,065, C>G on the plus strand (G>C on the coding strand, the complement: PALB2 is on the minus strand). VCF-style: chr16-23636065-C-G. GRCh37 (hg19) VCF-style: chr16-23647386-C-G.
Other names: short protein forms D161H.
Identifiers: ClinVar variation 480258 (VCV000480258.35), dbSNP rs769841151, ClinGen allele CA7963788.